The following is an entry in ClinVar:

NC_000017.11:g.58219470G>A

Gene: MKS1 (MKS transition zone complex subunit 1; minus strand). Cytogenetic location: 17q22.
Variant type: single nucleotide variant.
Genome position: GRCh38 VCF-style: chr17-58219470-G-A. GRCh37 (hg19) VCF-style: chr17-56296831-G-A.
Other names: NM_001165927.1:c.42C>T.
Identifiers: ClinVar variation 3030065 (VCV003030065.2), dbSNP rs2509470859, ClinGen allele CA2740093888.

ClinVar aggregate classification (germline): Likely benign (0 of 4 stars; one submission).

Conditions:
MKS1-related disorder. Also called: MKS1-related condition; MKS1-related disorders. Identifiers: MedGen CN239382.

Submission:

PreventionGenetics, part of Exact Sciences
Classification: Likely benign for MKS1-related condition. Last evaluated: 2021-04-07. Review status: no assertion criteria provided. Collection method: clinical testing. Allele origin: germline.
Comment: This variant is classified as likely benign based on ACMG/AMP sequence variant interpretation guidelines (Richards et al. 2015 PMID: 25741868, with internal and published modifications).